The following is an entry in ClinVar:

NM_001001344.3(ATP2B3):c.3342+972C>T

Gene: ATP2B3 (ATPase plasma membrane Ca2+ transporting 3; plus strand). Cytogenetic location: Xq28.
Variant type: single nucleotide variant.
Coding change: c.3342+972C>T on transcript NM_001001344.3 (MANE Select); 972 bases into the intron after coding-DNA position 3342, C replaced by T.
Molecular consequence: intron variant. On other transcripts: synonymous variant (1).
Genome position (GRCh38, 1-based): chrX:153,566,075, C>T. VCF-style: chrX-153566075-C-T. GRCh37 (hg19) VCF-style: chrX-152831533-C-T.
Other names: c.3600C>T, p.Pro1200= (NM_001388362.1); c.3342+972C>T (NM_021949.4, NM_001388360.1, NM_001388361.1); c.3300+972C>T (NM_001410708.1).
Identifiers: ClinVar variation 2661702 (VCV002661702.24), dbSNP rs185206152, ClinGen allele CA337214297.

ClinVar aggregate classification (germline): Likely benign (1 of 4 stars; one submission).

Allele frequency attached by ClinVar (database versions not stated): 1000 Genomes Project 30x 0.00125; 1000 Genomes Project 0.00132.
gnomAD v4.1: 146 of 112,601 alleles (0.13%); highest among the groups gnomAD compares: Non-Finnish European, 0.24%; no homozygotes.

Submission:

CeGaT Center for Human Genetics Tuebingen
Classification: Likely benign. Last evaluated: 2023-04-01. Review status: criteria provided, single submitter. Criteria: CeGaT Center For Human Genetics Tuebingen Variant Classification Criteria Version 2. Collection method: clinical testing. Allele origin: germline. Affected: yes. Observed: 1 variant allele.
Comment: ATP2B3: BS2